The following is an entry in ClinVar:

ClinVar aggregate classification (germline): Uncertain significance (1 of 4 stars; one submission).

Conditions:
Hereditary cancer-predisposing syndrome. Also called: Neoplastic Syndromes, Hereditary; Tumor predisposition; Hereditary neoplastic syndrome; Hereditary Cancer Syndrome. Identifiers: Orphanet 140162, MedGen C0027672, MeSH D009386, MONDO:0015356.

Submission:

Ambry Genetics
Classification: Uncertain significance for Hereditary cancer-predisposing syndrome. Last evaluated: 2026-07-07. Review status: criteria provided, single submitter. Criteria: Ambry Variant Classification Scheme 2023. Collection method: clinical testing. Allele origin: germline.
Comment: The p.H55D variant (also known as c.163C>G), located in coding exon 1 of the TMEM127 gene, results from a C to G substitution at nucleotide position 163. The histidine at codon 55 is replaced by aspartic acid, an amino acid with similar properties. This amino acid position is conserved. In addition, the in silico prediction for this alteration is inconclusive. Based on the available evidence, the clinical significance of this variant remains unclear.

NM_017849.4(TMEM127):c.163C>G (p.His55Asp)

Gene: TMEM127 (transmembrane protein 127; minus strand). Cytogenetic location: 2q11.2.
Variant type: single nucleotide variant.
Coding change: c.163C>G on transcript NM_017849.4 (MANE Select); coding-DNA position 163, C replaced by G.
Protein change: p.His55Asp; replaces histidine 55 with aspartic acid.
Molecular consequence: missense variant. On other transcripts: intron variant (1).
Genome position (GRCh38, 1-based): chr2:96,265,219, G>C on the plus strand (C>G on the coding strand, the complement: TMEM127 is on the minus strand). VCF-style: chr2-96265219-G-C. GRCh37 (hg19) VCF-style: chr2-96930957-G-C.
Other names: c.163C>G, p.His55Asp (NM_001193304.3); c.-9+650C>G (NM_001407283.1); short protein forms H55D.
Identifiers: ClinVar variation 5030929 (VCV005030929.1).